The following is an entry in ClinVar:

ClinVar aggregate classification (germline): Likely pathogenic (1 of 4 stars; one submission).

Conditions:
X-linked Alport syndrome (ATS1). Also called: COL4A5-Related Nephropathy; NEPHROPATHY AND DEAFNESS, X-LINKED. Identifiers: Orphanet 63, Orphanet 88917, MedGen C4746986, MONDO:0010520, OMIM 301050.

Submission:

3billion
Classification: Likely pathogenic for X-linked Alport syndrome. Last evaluated: 2024-06-13. Review status: criteria provided, single submitter. Criteria: ACMG Guidelines, 2015. Collection method: clinical testing. Allele origin: germline. Affected: yes.
Comment: The variant is not observed in the gnomAD v4.0.0 dataset. Predicted Consequence/Location: Canonical splice site: predicted to alter splicing and result in a loss or disruption of normal protein function. Multiple pathogenic variants are reported in the predicted truncated region. The variant has been reported to be associated with COL4A5 related disorder (PMID: 24304881). Therefore, this variant is classified as Likely pathogenic according to the recommendation of ACMG/AMP guideline.

Literature cited by the submitters: PubMed 24304881.

NM_033380.3(COL4A5):c.4994+2T>C

Gene: COL4A5 (collagen type IV alpha 5 chain; plus strand). Cytogenetic location: Xq22.3.
Variant type: single nucleotide variant.
Coding change: c.4994+2T>C on transcript NM_033380.3 (MANE Select); the canonical splice donor site of the intron after coding-DNA position 4994, T replaced by C.
Molecular consequence: splice donor variant.
Genome position (GRCh38, 1-based): chrX:108,695,441, T>C. VCF-style: chrX-108695441-T-C. GRCh37 (hg19) VCF-style: chrX-107938671-T-C.
Other names: c.4976+2T>C (NM_000495.5).
Identifiers: ClinVar variation 4291749 (VCV004291749.1), dbSNP rs1569509371.